The following is an entry in ClinVar:

ClinVar aggregate classification (germline): Likely benign (1 of 4 stars; one submission).

Allele frequency attached by ClinVar (database versions not stated): 1000 Genomes Project 30x 0.00109; gnomAD 0.00117; 1000 Genomes Project 0.00120; gnomAD exomes 0.00149.
gnomAD v4.1: 300 of 233,026 alleles (0.13%); highest among the groups gnomAD compares: Middle Eastern, 0.25%; 1 homozygote.

Submission:

CeGaT Center for Human Genetics Tuebingen
Classification: Likely benign. Last evaluated: 2024-11-01. Review status: criteria provided, single submitter. Criteria: CeGaT Center For Human Genetics Tuebingen Variant Classification Criteria Version 2. Collection method: clinical testing. Allele origin: germline. Affected: yes. Observed: 5 variant alleles.
Comment: BRD4: BS1

NM_001379291.1(BRD4):c.2159-2870T>C

Gene: BRD4 (bromodomain containing 4; minus strand). Cytogenetic location: 19p13.12.
Variant type: single nucleotide variant.
Coding change: c.2159-2870T>C on transcript NM_001379291.1 (MANE Select); 2870 bases into the intron before coding-DNA position 2159, T replaced by C.
Molecular consequence: intron variant. On other transcripts: 3 prime UTR variant (2).
Genome position (GRCh38, 1-based): chr19:15,247,632, A>G on the plus strand (T>C on the coding strand, the complement: BRD4 is on the minus strand). VCF-style: chr19-15247632-A-G. GRCh37 (hg19) VCF-style: chr19-15358443-A-G.
Other names: c.*1648T>C (NM_001379292.1, NM_014299.3); c.2159-2870T>C (NM_058243.3).
Identifiers: ClinVar variation 2649459 (VCV002649459.24), dbSNP rs138125587, ClinGen allele CA305794370.